The following is an entry in ClinVar:

NM_002691.4(POLD1):c.1585C>G (p.Leu529Val)

Gene: POLD1 (DNA polymerase delta 1, catalytic subunit; plus strand). Cytogenetic location: 19q13.33.
Variant type: single nucleotide variant.
Coding change: c.1585C>G on transcript NM_002691.4 (MANE Select); coding-DNA position 1585, C replaced by G.
Protein change: p.Leu529Val; replaces leucine 529 with valine.
Molecular consequence: missense variant. On other transcripts: non-coding transcript variant (1).
Genome position (GRCh38, 1-based): chr19:50,407,073, C>G. VCF-style: chr19-50407073-C-G. GRCh37 (hg19) VCF-style: chr19-50910330-C-G.
Other names: c.1585C>G, p.Leu529Val (NM_001256849.1, NM_001308632.1); c.1585C>G (NM_002691.2); short protein forms L529V.
Identifiers: ClinVar variation 2813113 (VCV002813113.4), dbSNP rs1381279026, ClinGen allele CA406980915.
Genomic context (GRCh38, chr19:50,407,073, plus strand): 5'-GCTGTGTACTGCCTGAAGGATGCCTACCTGCCACTGCGGCTGCTGGAGCGGCTCATGGTG[C>G]TGGTGAACGCCGTGGAGATGGCGAGGGTCACTGGCGTGCCCCTCAGCTACCTGCTCAGTC-3'
Protein context (NP_002682.2, residues 519-539): PLRLLERLMV[Leu529Val]VNAVEMARVT

ClinVar aggregate classification (germline): Uncertain significance. Review status: criteria provided, multiple submitters, no conflicts (2 of 4 stars). 2 submissions from 2 submitters: Uncertain significance (2). Last evaluated 2025-02-05.

Conditions:
POLD1-related polyposis and colorectal cancer syndrome (CRCS10). Also called: Colorectal cancer 10; Colorectal cancer, susceptibility to, 10; COLORECTAL CANCER, SUSCEPTIBILITY TO, ON CHROMOSOME 19q. Identifiers: Orphanet 220460, MedGen C2675481, MONDO:0012953, OMIM 612591.
Hereditary cancer-predisposing syndrome. Also called: Tumor predisposition; Hereditary Cancer Syndrome; Hereditary neoplastic syndrome; Neoplastic Syndromes, Hereditary. Identifiers: Orphanet 140162, MedGen C0027672, MeSH D009386, MONDO:0015356.

Submissions (2):

Ambry Genetics
Classification: Uncertain significance for Hereditary cancer-predisposing syndrome. Last evaluated: 2025-02-05. Review status: criteria provided, single submitter. Criteria: Ambry Variant Classification Scheme 2023. Collection method: clinical testing. Allele origin: germline.
Comment: The p.L529V variant (also known as c.1585C>G), located in coding exon 12 of the POLD1 gene, results from a C to G substitution at nucleotide position 1585. The leucine at codon 529 is replaced by valine, an amino acid with highly similar properties. This amino acid position is conserved. In addition, this alteration is predicted to be tolerated by in silico analysis. Based on the available evidence, the clinical significance of this variant remains unclear.

Labcorp Genetics (formerly Invitae), Labcorp
Classification: Uncertain significance for POLD1-related polyposis and colorectal cancer syndrome. Last evaluated: 2023-08-17. Review status: criteria provided, single submitter. Criteria: Invitae Variant Classification Sherloc (09022015). Collection method: clinical testing. Allele origin: germline.
Comment: This sequence change replaces leucine, which is neutral and non-polar, with valine, which is neutral and non-polar, at codon 529 of the POLD1 protein (p.Leu529Val). In summary, the available evidence is currently insufficient to determine the role of this variant in disease. Therefore, it has been classified as a Variant of Uncertain Significance. Advanced modeling of protein sequence and biophysical properties (such as structural, functional, and spatial information, amino acid conservation, physicochemical variation, residue mobility, and thermodynamic stability) performed at Invitae indicates that this missense variant is not expected to disrupt POLD1 protein function. This variant has not been reported in the literature in individuals affected with POLD1-related conditions. This variant is not present in population databases (gnomAD no frequency).